The following is an entry in ClinVar:

ClinVar aggregate classification (germline): Pathogenic. Review status: criteria provided, single submitter (1 of 4 stars). 2 submissions from 2 submitters: Pathogenic (1). 1 of the submissions does not count toward it. Last evaluated 2024-06-27.

Conditions:
PROM1-related disorder. Also called: PROM1-related disorders; PROM1-related condition.
Leber congenital amaurosis 1 (LCA1). Also called: Congenital absence of the rods and cones; Leber's congenital tapetoretinal degeneration; Leber's congenital tapetoretinal dysplasia; RETINAL BLINDNESS, CONGENITAL; AMAUROSIS CONGENITA OF LEBER I. Identifiers: Orphanet 65, MedGen C2931258, MONDO:0008764, OMIM 204000.

Submissions (2):

3billion
Classification: Pathogenic for PROM1-related disorder. Last evaluated: 2024-06-27. Review status: criteria provided, single submitter. Criteria: ACMG Guidelines, 2015. Collection method: clinical testing. Allele origin: germline. Affected: yes.
Comment: The variant is observed at an extremely low frequency in the gnomAD v4.0.0 dataset (total allele frequency: <0.001%). Predicted Consequence/Location: Frameshift: predicted to result in a loss or disruption of normal protein function through nonsense-mediated decay (NMD) or protein truncation. Multiple pathogenic variants are reported downstream of the variant. The variant has been reported to be in trans with a pathogenic variant as either compound heterozygous or homozygous in at least one similarly affected unrelated individual (PMID: 31836589). The variant has been reported to be associated with PROM1 related disorder (ClinVar ID: VCV000694037 /PMID: 31836589 /3billion dataset). Therefore, this variant is classified as Pathogenic according to the recommendation of ACMG/AMP guideline.

Columbia University Laboratory of Personalized Genomic Medicine, Columbia University Medical Center
Classification: Pathogenic for Leber congenital amaurosis 1. Review status: no assertion criteria provided. Collection method: research. Allele origin: inherited. Inheritance: Autosomal recessive inheritance. Affected: yes. Observed: 1 compound heterozygote. Not counted in ClinVar's aggregate classification.

Literature cited by the submitters: PubMed 31836589 (cited by 3billion).

NM_006017.3(PROM1):c.1877_1878del (p.Ile626fs)

Gene: PROM1 (prominin 1; minus strand). Cytogenetic location: 4p15.32.
Variant type: Deletion.
Coding change: c.1877_1878del on transcript NM_006017.3 (MANE Select); coding-DNA positions 1877 to 1878, 2 bases deleted (TA; older notation c.1877_1878delTA).
Protein change: p.Ile626fs; shifts the reading frame from isoleucine 626.
Molecular consequence: frameshift variant.
Genome position (GRCh38, 1-based): chr4:15,992,281-15,992,282, TA deleted on the plus strand (TA on the coding strand, the reverse complement: PROM1 is on the minus strand); deleting any 2 consecutive bases within chr4:15,992,281-15,992,283 gives the same sequence; the c. name uses the placement nearest the transcript's 3' end. VCF-style (leftmost placement, unchanged base first): chr4-15992280-CTA-C. GRCh37 (hg19) VCF-style: chr4-15993903-CTA-C.
Other names: c.1850_1851del, p.Ile617fs (NM_001145847.2, NM_001145848.2, NM_001145851.2 and 4 more transcripts); c.1877_1878del, p.Ile626fs (NM_001145849.2, NM_001145850.2); short protein forms I626fs, I617fs.
Identifiers: ClinVar variation 694037 (VCV000694037.5), dbSNP rs1300041533, ClinGen allele CA549881969.